The following is an entry in ClinVar:

ClinVar aggregate classification (germline): Uncertain significance (1 of 4 stars; one submission).

Conditions:
Glycogen storage disease due to muscle and heart glycogen synthase deficiency. Also called: GSD 0b; MUSCLE GLYCOGEN SYNTHASE DEFICIENCY. Identifiers: Orphanet 137625, MedGen C1969054, MONDO:0012693, OMIM 611556.

Allele frequency attached by ClinVar (database versions not stated): TOPMed below 0.00001.

Submission:

Labcorp Genetics (formerly Invitae), Labcorp
Classification: Uncertain significance for Glycogen storage disease due to muscle and heart glycogen synthase deficiency. Last evaluated: 2024-02-24. Review status: criteria provided, single submitter. Criteria: Invitae Variant Classification Sherloc (09022015). Collection method: clinical testing. Allele origin: germline.
Comment: This sequence change replaces glycine, which is neutral and non-polar, with alanine, which is neutral and non-polar, at codon 216 of the GYS1 protein (p.Gly216Ala). This variant is not present in population databases (gnomAD no frequency). This variant has not been reported in the literature in individuals affected with GYS1-related conditions. ClinVar contains an entry for this variant (Variation ID: 1484605). Algorithms developed to predict the effect of missense changes on protein structure and function output the following: SIFT: "Not Available"; PolyPhen-2: "Probably Damaging"; Align-GVGD: "Not Available". The alanine amino acid residue is found in multiple mammalian species, which suggests that this missense change does not adversely affect protein function. In summary, the available evidence is currently insufficient to determine the role of this variant in disease. Therefore, it has been classified as a Variant of Uncertain Significance.

NM_002103.5(GYS1):c.647G>C (p.Gly216Ala)

Gene: GYS1 (glycogen synthase 1; minus strand). Cytogenetic location: 19q13.33.
Variant type: single nucleotide variant.
Coding change: c.647G>C on transcript NM_002103.5 (MANE Select); coding-DNA position 647, G replaced by C.
Protein change: p.Gly216Ala; replaces glycine 216 with alanine.
Molecular consequence: missense variant. On other transcripts: non-coding transcript variant (1).
Genome position (GRCh38, 1-based): chr19:48,985,881, C>G on the plus strand (G>C on the coding strand, the complement: GYS1 is on the minus strand). VCF-style: chr19-48985881-C-G. GRCh37 (hg19) VCF-style: chr19-49489138-C-G.
Other names: c.455G>C, p.Gly152Ala (NM_001161587.2); short protein forms G152A, G216A.
Identifiers: ClinVar variation 1484605 (VCV001484605.7), dbSNP rs2038835260, ClinGen allele CA406765042.